The following is an entry in ClinVar:

NM_152564.5(VPS13B):c.8266del (p.Glu2755_Leu2756insTer)

Gene: VPS13B (vacuolar protein sorting 13 homolog B; plus strand). Cytogenetic location: 8q22.2.
Variant type: Deletion.
Coding change: c.8266del on transcript NM_152564.5 (MANE Select); coding-DNA position 8266, one base deleted (C; older notation c.8266delC).
Protein change: p.Glu2755_Leu2756insTer.
Molecular consequence: nonsense.
Genome position (GRCh38, 1-based): chr8:99,817,708, C deleted. VCF-style (leftmost placement, unchanged base first): chr8-99817707-AC-A. GRCh37 (hg19) VCF-style: chr8-100829935-AC-A.
Other names: c.8341delC (NM_017890.4); c.8341del, p.Glu2780_Leu2781insTer (NM_017890.5).
Identifiers: ClinVar variation 56692 (VCV000056692.2), dbSNP rs386834111, ClinGen allele CA264137.

ClinVar aggregate classification (germline): Likely pathogenic (0 of 4 stars; one submission).

Conditions:
Cohen syndrome (COH1). Also called: PEPPER SYNDROME; Cutis verticis gyrata, retinitis pigmentosa, and sensorineural deafness. Identifiers: Orphanet 193, MedGen C0265223, MONDO:0008999, OMIM 216550.

Submission:

Juha Muilu Group; Institute for Molecular Medicine Finland (FIMM)
Classification: Likely pathogenic for Cohen syndrome. Review status: no assertion criteria provided. Collection method: not provided. Allele origin: unknown.
Comment: FinDis database variant: This variant was not found or characterized by our laboratory, data were collected from public sources: see reference
ClinVar note: Converted during submission from probable-pathogenic to Likely pathogenic.